The following is an entry in ClinVar:

ClinVar aggregate classification (germline): Uncertain significance. Review status: criteria provided, multiple submitters, no conflicts (2 of 4 stars). 4 submissions from 4 submitters: Uncertain significance (4). Last evaluated 2025-10-07.

Conditions:
Hereditary cancer-predisposing syndrome. Also called: Hereditary neoplastic syndrome; Tumor predisposition; Neoplastic Syndromes, Hereditary; Hereditary Cancer Syndrome. Identifiers: Orphanet 140162, MedGen C0027672, MeSH D009386, MONDO:0015356.
Hereditary nonpolyposis colorectal neoplasms. Identifiers: MedGen C0009405, MeSH D003123.

gnomAD v4.1: 9 of 1,573,530 alleles (0.00057%); highest among the groups gnomAD compares: Non-Finnish European, 0.00077%; no homozygotes.

Submissions (4):

Labcorp Genetics (formerly Invitae), Labcorp
Classification: Uncertain significance for Hereditary nonpolyposis colorectal neoplasms. Last evaluated: 2025-10-07. Review status: criteria provided, single submitter. Criteria: Invitae Variant Classification Sherloc (09022015). Collection method: clinical testing. Allele origin: germline.
Comment: This sequence change replaces threonine, which is neutral and polar, with serine, which is neutral and polar, at codon 987 of the MSH6 protein (p.Thr987Ser). This variant is not present in population databases (gnomAD no frequency). This variant has not been reported in the literature in individuals affected with MSH6-related conditions. ClinVar contains an entry for this variant (Variation ID: 420996). Invitae Evidence Modeling of protein sequence and biophysical properties (such as structural, functional, and spatial information, amino acid conservation, physicochemical variation, residue mobility, and thermodynamic stability) indicates that this missense variant is not expected to disrupt MSH6 protein function with a negative predictive value of 95%. In summary, the available evidence is currently insufficient to determine the role of this variant in disease. Therefore, it has been classified as a Variant of Uncertain Significance.

Women's Health and Genetics/Laboratory Corporation of America, LabCorp
Classification: Uncertain significance. Last evaluated: 2024-05-06. Review status: criteria provided, single submitter. Criteria: LabCorp Variant Classification Summary - May 2015. Collection method: clinical testing. Allele origin: germline.
Comment: Variant summary: MSH6 c.2960C>G (p.Thr987Ser) results in a conservative amino acid change located in the DNA mismatch repair protein MutS, core domain (IPR007696) of the encoded protein sequence. Five of five in-silico tools predict a benign effect of the variant on protein function. The variant was absent in 219030 control chromosomes. The available data on variant occurrences in the general population are insufficient to allow any conclusion about variant significance. To our knowledge, no occurrence of c.2960C>G in individuals affected with Hereditary Nonpolyposis Colorectal Cancer and no experimental evidence demonstrating its impact on protein function have been reported. ClinVar contains an entry for this variant (Variation ID: 420996). Based on the evidence outlined above, the variant was classified as uncertain significance.

Ambry Genetics
Classification: Uncertain significance for Hereditary cancer-predisposing syndrome. Last evaluated: 2020-07-22. Review status: criteria provided, single submitter. Criteria: Ambry Variant Classification Scheme 2023. Collection method: clinical testing. Allele origin: germline.
Comment: The p.T987S variant (also known as c.2960C>G), located in coding exon 4 of the MSH6 gene, results from a C to G substitution at nucleotide position 2960. The threonine at codon 987 is replaced by serine, an amino acid with similar properties. This amino acid position is not well conserved in available vertebrate species. In addition, this alteration is predicted to be tolerated by in silico analysis. Since supporting evidence is limited at this time, the clinical significance of this alteration remains unclear.

GeneDx
Classification: Uncertain significance. Last evaluated: 2018-05-03. Review status: criteria provided, single submitter. Criteria: GeneDx Variant Classification (06012015). Collection method: clinical testing. Allele origin: germline. Affected: yes.
Comment: This variant is denoted MSH6 c.2960C>G at the cDNA level, p.Thr987Ser (T987S) at the protein level, and results in the change of a Threonine to a Serine (ACT>AGT). This variant has not, to our knowledge, been published in the literature as pathogenic or benign. MSH6 Thr987Ser was not observed in large population cohorts (Lek 2016). MSH6 Thr987Ser is located in the Clamp domain (Warren 2007, Kansikas 2011). In silico analysis, which includes protein predictors and evolutionary conservation, supports that this variant does not alter protein structure/function. Based on currently available evidence, it is unclear whether MSH6 Thr987Ser is a pathogenic or benign variant. We consider it to be a variant of uncertain significance.

NM_000179.3(MSH6):c.2960C>G (p.Thr987Ser)

Gene: MSH6 (mutS homolog 6; plus strand). Cytogenetic location: 2p16.3.
Variant type: single nucleotide variant.
Coding change: c.2960C>G on transcript NM_000179.3 (MANE Select); coding-DNA position 2960, C replaced by G.
Protein change: p.Thr987Ser; replaces threonine 987 with serine.
Molecular consequence: missense variant.
Genome position (GRCh38, 1-based): chr2:47,800,943, C>G. VCF-style: chr2-47800943-C-G. GRCh37 (hg19) VCF-style: chr2-48028082-C-G.
Other names: c.2570C>G, p.Thr857Ser (NM_001281492.2); c.2054C>G, p.Thr685Ser (NM_001281493.2, NM_001281494.2); short protein forms T987S, T685S, T857S.
Identifiers: ClinVar variation 420996 (VCV000420996.12), dbSNP rs587779928, ClinGen allele CA16617686.